The following is an entry in ClinVar:

ClinVar aggregate classification (germline): Uncertain significance (1 of 4 stars; one submission).

Conditions:
Treacher Collins syndrome 1 (TCS1). Also called: TCOF1-Related Treacher Collins Syndrome. Identifiers: Orphanet 861, MedGen CN315775, MONDO:0007944, OMIM 154500.

Submission:

Labcorp Genetics (formerly Invitae), Labcorp
Classification: Uncertain significance for Treacher Collins syndrome 1. Last evaluated: 2024-12-13. Review status: criteria provided, single submitter. Criteria: Invitae Variant Classification Sherloc (09022015). Collection method: clinical testing. Allele origin: germline.
Comment: This sequence change replaces valine, which is neutral and non-polar, with methionine, which is neutral and non-polar, at codon 1104 of the TCOF1 protein (p.Val1104Met). The frequency data for this variant in the population databases is considered unreliable, as metrics indicate poor data quality at this position in the gnomAD database. This variant has not been reported in the literature in individuals affected with TCOF1-related conditions. An algorithm developed to predict the effect of missense changes on protein structure and function (PolyPhen-2) suggests that this variant is likely to be tolerated. In summary, the available evidence is currently insufficient to determine the role of this variant in disease. Therefore, it has been classified as a Variant of Uncertain Significance.

NM_001371623.1(TCOF1):c.3310G>A (p.Val1104Met)

Gene: TCOF1 (treacle ribosome biogenesis factor 1; plus strand). Cytogenetic location: 5q32.
Variant type: single nucleotide variant.
Coding change: c.3310G>A on transcript NM_001371623.1 (MANE Select); coding-DNA position 3310, G replaced by A.
Protein change: p.Val1104Met; replaces valine 1104 with methionine.
Molecular consequence: missense variant.
Genome position (GRCh38, 1-based): chr5:150,391,969, G>A. VCF-style: chr5-150391969-G-A. GRCh37 (hg19) VCF-style: chr5-149771532-G-A.
Other names: c.3079G>A, p.Val1027Met (NM_000356.4, NM_001135245.2); c.3310G>A, p.Val1104Met (NM_001135243.2); c.3196G>A, p.Val1066Met (NM_001135244.2, NM_001195141.2); short protein forms V1027M, V1066M, V1104M.
Identifiers: ClinVar variation 3672065 (VCV003672065.2).